The following is an entry in ClinVar:

ClinVar aggregate classification (germline): Likely pathogenic (1 of 4 stars; one submission).

Conditions:
Congenital dyserythropoietic anemia, type II (CDAN2). Also called: DYSERYTHROPOIETIC ANEMIA, HEMPAS TYPE. Identifiers: Orphanet 98873, MedGen C1306589, MONDO:0009134, OMIM 224100.

gnomAD v4.1: 1 of 1,496,218 alleles (0.000067%); highest among the groups gnomAD compares: Non-Finnish European, 0.000093%; no homozygotes.

Submission:

BloodGenetics
Classification: Likely pathogenic for Congenital dyserythropoietic anemia, type II. Last evaluated: 2025-03-12. Review status: criteria provided, single submitter. Criteria: ACMG Guidelines, 2015. Collection method: clinical testing. Allele origin: germline. Affected: yes. Observed: 1 variant allele.
Comment: The NM_006363.6(SEC23B): c.1736A>G (p.Tyr579Cys) missense variant replaces tyrosine, which is polar and aromatic, with cysteine, which is polar and contains a thiol group, at codon 579 of the SEC23B protein (p.Tyr579Cys). This variant is not observed at significant frequency in large population cohorts (gnomAD). This case is published in paper PMID: 37373084 where functional studies for this variant and other variants were done. In summary, this variant meets criteria to be classified as likely pathogenic for CDA type II based on the ACMG/AMP criteria applied: PP3strong, PM2supporting, PP2supporting.

Literature cited by the submitters: PubMed 37373084.

NM_006363.6(SEC23B):c.1736A>G (p.Tyr579Cys)

Gene: SEC23B (SEC23 homolog B, COPII component; plus strand). Cytogenetic location: 20p11.23.
Variant type: single nucleotide variant.
Coding change: c.1736A>G on transcript NM_006363.6 (MANE Select); coding-DNA position 1736, A replaced by G.
Protein change: p.Tyr579Cys; replaces tyrosine 579 with cysteine.
Molecular consequence: missense variant.
Genome position (GRCh38, 1-based): chr20:18,546,026, A>G. VCF-style: chr20-18546026-A-G. GRCh37 (hg19) VCF-style: chr20-18526670-A-G.
Other names: c.1736A>G, p.Tyr579Cys (NM_001172745.3, NM_032985.6, NM_032986.5); c.1682A>G, p.Tyr561Cys (NM_001172746.3); short protein forms Y561C, Y579C.
Identifiers: ClinVar variation 3896701 (VCV003896701.1).